The following is an entry in ClinVar:

NM_001370259.2(MEN1):c.1504_1507dup (p.Gly503fs)

Gene: MEN1 (menin 1; minus strand). Cytogenetic location: 11q13.1.
Variant type: Duplication.
Coding change: c.1504_1507dup on transcript NM_001370259.2 (MANE Select); coding-DNA positions 1504 to 1507, 4 bases duplicated (AAGG; older notation c.1504_1507dupAAGG).
Protein change: p.Gly503fs; shifts the reading frame from glycine 503.
Molecular consequence: frameshift variant.
Genome position (GRCh38, 1-based): chr11:64,804,660-64,804,663, CCTT duplicated on the plus strand (AAGG on the coding strand, the reverse complement: MEN1 is on the minus strand). VCF-style (leftmost placement, unchanged base first): chr11-64804659-C-CCCTT. GRCh37 (hg19) VCF-style: chr11-64572131-C-CCCTT.
Other names: c.1504_1507dupAAGG (NM_130799.2); c.1519_1522dup, p.Gly508fs (NM_130803.3, NM_130804.3, NM_000244.4 and 3 more transcripts); c.1630_1633dup, p.Gly545fs (NM_001370251.2); c.1504_1507dup, p.Gly503fs (NM_001370260.2, NM_001370261.2, NM_130799.3); c.1399_1402dup, p.Gly468fs (NM_001370262.2, NM_001370263.2); short protein forms G468fs, G508fs, G545fs, G503fs.
Identifiers: ClinVar variation 428010 (VCV000428010.4), dbSNP rs1114167476, ClinGen allele CA645369555.

ClinVar aggregate classification (germline): Pathogenic (1 of 4 stars; one submission).

Conditions:
Hereditary cancer-predisposing syndrome. Also called: Hereditary Cancer Syndrome; Neoplastic Syndromes, Hereditary; Hereditary neoplastic syndrome; Tumor predisposition. Identifiers: Orphanet 140162, MedGen C0027672, MeSH D009386, MONDO:0015356.

Submission:

Ambry Genetics
Classification: Pathogenic for Hereditary cancer-predisposing syndrome. Last evaluated: 2013-01-14. Review status: criteria provided, single submitter. Criteria: Ambry Autosomal Dominant and X-Linked criteria (10/2015). Collection method: clinical testing. Allele origin: germline. Observed: 1 variant allele.
Comment: This alteration occurs at the 3' terminus of theâ€¯MEN1gene, is not expected to trigger nonsense-mediated mRNA decay, and only impacts the last 108 amino acids of the protein. However, premature stop codons are typically deleterious in nature. This variant was not reported in population-based cohorts in the Genome Aggregation Database (gnomAD). Based on the supporting evidence, this alteration is interpreted as a disease-causing mutation.